The following is an entry in ClinVar:

ClinVar aggregate classification (germline): Uncertain significance (1 of 4 stars; one submission).

Submission:

Labcorp Genetics (formerly Invitae), Labcorp
Classification: Uncertain significance. Last evaluated: 2022-04-11. Review status: criteria provided, single submitter. Criteria: Invitae Variant Classification Sherloc (09022015). Collection method: clinical testing. Allele origin: germline.
Comment: In summary, the available evidence is currently insufficient to determine the role of this variant in disease. Therefore, it has been classified as a Variant of Uncertain Significance. Algorithms developed to predict the effect of missense changes on protein structure and function (SIFT, PolyPhen-2, Align-GVGD) all suggest that this variant is likely to be tolerated. This variant has not been reported in the literature in individuals affected with SLCO5A1-related conditions. This variant is not present in population databases (gnomAD no frequency). This sequence change replaces isoleucine, which is neutral and non-polar, with valine, which is neutral and non-polar, at codon 493 of the SLCO5A1 protein (p.Ile493Val).

NM_030958.3(SLCO5A1):c.1477A>G (p.Ile493Val)

Gene: SLCO5A1 (solute carrier organic anion transporter family member 5A1; minus strand). Cytogenetic location: 8q13.3.
Variant type: single nucleotide variant.
Coding change: c.1477A>G on transcript NM_030958.3 (MANE Select); coding-DNA position 1477, A replaced by G.
Protein change: p.Ile493Val; replaces isoleucine 493 with valine.
Molecular consequence: missense variant.
Genome position (GRCh38, 1-based): chr8:69,705,176, T>C on the plus strand (A>G on the coding strand, the complement: SLCO5A1 is on the minus strand). VCF-style: chr8-69705176-T-C. GRCh37 (hg19) VCF-style: chr8-70617411-T-C.
Other names: c.1477A>G, p.Ile493Val (NM_001146008.2); c.1312A>G, p.Ile438Val (NM_001146009.1); short protein forms I493V, I438V.
Identifiers: ClinVar variation 2121703 (VCV002121703.4), dbSNP rs2487332841, ClinGen allele CA371227990.